The following is an entry in ClinVar:

ClinVar aggregate classification (germline): Uncertain significance (1 of 4 stars; one submission).

gnomAD v4.1: 4 of 1,612,696 alleles (0.00025%); highest among the groups gnomAD compares: Non-Finnish European, 0.00034%; no homozygotes.

Submission:

Labcorp Genetics (formerly Invitae), Labcorp
Classification: Uncertain significance. Last evaluated: 2025-03-21. Review status: criteria provided, single submitter. Criteria: Invitae Variant Classification Sherloc (09022015). Collection method: clinical testing. Allele origin: germline.
Comment: This sequence change replaces glutamine, which is neutral and polar, with arginine, which is basic and polar, at codon 62 of the SLC4A1 protein (p.Gln62Arg). This variant is not present in population databases (gnomAD no frequency). This variant has not been reported in the literature in individuals affected with SLC4A1-related conditions. Invitae Evidence Modeling of protein sequence and biophysical properties (such as structural, functional, and spatial information, amino acid conservation, physicochemical variation, residue mobility, and thermodynamic stability) indicates that this missense variant is not expected to disrupt SLC4A1 protein function with a negative predictive value of 80%. In summary, the available evidence is currently insufficient to determine the role of this variant in disease. Therefore, it has been classified as a Variant of Uncertain Significance.

NM_000342.4(SLC4A1):c.185A>G (p.Gln62Arg)

Gene: SLC4A1 (solute carrier family 4 member 1 (Diego blood group); minus strand). Cytogenetic location: 17q21.31.
Variant type: single nucleotide variant.
Coding change: c.185A>G on transcript NM_000342.4 (MANE Select); coding-DNA position 185, A replaced by G.
Protein change: p.Gln62Arg; replaces glutamine 62 with arginine.
Molecular consequence: missense variant.
Genome position (GRCh38, 1-based): chr17:44,260,799, T>C on the plus strand (A>G on the coding strand, the complement: SLC4A1 is on the minus strand). VCF-style: chr17-44260799-T-C. GRCh37 (hg19) VCF-style: chr17-42338167-T-C.
Other names: short protein forms Q62R.
Identifiers: ClinVar variation 4773677 (VCV004773677.1).